The following is an entry in ClinVar:

ClinVar aggregate classification (germline): Uncertain significance (1 of 4 stars; one submission).

Submission:

Labcorp Genetics (formerly Invitae), Labcorp
Classification: Uncertain significance. Last evaluated: 2023-04-28. Review status: criteria provided, single submitter. Criteria: Invitae Variant Classification Sherloc (09022015). Collection method: clinical testing. Allele origin: germline.
Comment: This sequence change replaces isoleucine, which is neutral and non-polar, with valine, which is neutral and non-polar, at codon 1856 of the CDK5RAP2 protein (p.Ile1856Val). In summary, the available evidence is currently insufficient to determine the role of this variant in disease. Therefore, it has been classified as a Variant of Uncertain Significance. An algorithm developed to predict the effect of missense changes on protein structure and function (PolyPhen-2) suggests that this variant is likely to be disruptive. This variant has not been reported in the literature in individuals affected with CDK5RAP2-related conditions. This variant is not present in population databases (gnomAD no frequency).

NM_018249.6(CDK5RAP2):c.5566A>G (p.Ile1856Val)

Gene: CDK5RAP2 (CDK5 regulatory subunit associated protein 2; minus strand). Cytogenetic location: 9q33.2.
Variant type: single nucleotide variant.
Coding change: c.5566A>G on transcript NM_018249.6 (MANE Select); coding-DNA position 5566, A replaced by G.
Protein change: p.Ile1856Val; replaces isoleucine 1856 with valine.
Molecular consequence: missense variant. On other transcripts: non-coding transcript variant (5).
Genome position (GRCh38, 1-based): chr9:120,394,524, T>C on the plus strand (A>G on the coding strand, the complement: CDK5RAP2 is on the minus strand). VCF-style: chr9-120394524-T-C. GRCh37 (hg19) VCF-style: chr9-123156802-T-C.
Other names: c.5329A>G, p.Ile1777Val (NM_001011649.3); c.4876A>G, p.Ile1626Val (NM_001272039.2); c.5467A>G, p.Ile1823Val (NM_001410992.1); c.5470A>G, p.Ile1824Val (NM_001410993.1); c.5563A>G, p.Ile1855Val (NM_001410994.1); short protein forms I1824V, I1855V, I1777V, I1626V, I1823V, I1856V.
Identifiers: ClinVar variation 2878729 (VCV002878729.3), dbSNP rs2538814201, ClinGen allele CA374703102.